The following is an entry in ClinVar:

ClinVar aggregate classification (germline): Uncertain significance (1 of 4 stars; one submission).

Allele frequency attached by ClinVar (database versions not stated): gnomAD exomes below 0.00001.
gnomAD v4.1: 2 of 1,614,034 alleles (0.00012%); highest among the groups gnomAD compares: Non-Finnish European, 0.000085%; no homozygotes.

Submission:

Labcorp Genetics (formerly Invitae), Labcorp
Classification: Uncertain significance. Last evaluated: 2023-11-27. Review status: criteria provided, single submitter. Criteria: Invitae Variant Classification Sherloc (09022015). Collection method: clinical testing. Allele origin: germline.
Comment: This sequence change replaces glutamic acid, which is acidic and polar, with lysine, which is basic and polar, at codon 75 of the KATNB1 protein (p.Glu75Lys). This variant is present in population databases (no rsID available, gnomAD no frequency). This variant has not been reported in the literature in individuals affected with KATNB1-related conditions. ClinVar contains an entry for this variant (Variation ID: 1714531). An algorithm developed to predict the effect of missense changes on protein structure and function (PolyPhen-2) suggests that this variant is likely to be disruptive. In summary, the available evidence is currently insufficient to determine the role of this variant in disease. Therefore, it has been classified as a Variant of Uncertain Significance.

NM_005886.3(KATNB1):c.223G>A (p.Glu75Lys)

Gene: KATNB1 (katanin regulatory subunit B1; plus strand). Cytogenetic location: 16q21.
Variant type: single nucleotide variant.
Coding change: c.223G>A on transcript NM_005886.3 (MANE Select); coding-DNA position 223, G replaced by A.
Protein change: p.Glu75Lys; replaces glutamic acid 75 with lysine.
Molecular consequence: missense variant.
Genome position (GRCh38, 1-based): chr16:57,744,445, G>A. VCF-style: chr16-57744445-G-A. GRCh37 (hg19) VCF-style: chr16-57778357-G-A.
Other names: short protein forms E75K.
Identifiers: ClinVar variation 1714531 (VCV001714531.5), dbSNP rs1555580694, ClinGen allele CA396063770.